The following is an entry in ClinVar:

NM_004036.5(ADCY3):c.1805T>G (p.Val602Gly)

Gene: ADCY3 (adenylate cyclase 3; minus strand). Cytogenetic location: 2p23.3.
Variant type: single nucleotide variant.
Coding change: c.1805T>G on transcript NM_004036.5 (MANE Select); coding-DNA position 1805, T replaced by G.
Protein change: p.Val602Gly; replaces valine 602 with glycine.
Molecular consequence: missense variant.
Genome position (GRCh38, 1-based): chr2:24,834,794, A>C on the plus strand (T>G on the coding strand, the complement: ADCY3 is on the minus strand). VCF-style: chr2-24834794-A-C. GRCh37 (hg19) VCF-style: chr2-25057663-A-C.
Other names: c.1805T>G, p.Val602Gly (NM_001320613.2, NM_001377129.1, NM_001377130.1 and 1 more transcripts); c.1871T>G, p.Val624Gly (NM_001377128.1); c.1082T>G, p.Val361Gly (NM_001377131.1); short protein forms V361G, V602G, V624G.
Identifiers: ClinVar variation 3345729 (VCV003345729.1).

ClinVar aggregate classification (germline): Uncertain significance (0 of 4 stars; one submission).

Conditions:
ADCY3-related disorder. Also called: ADCY3-related condition.

Submission:

PreventionGenetics, part of Exact Sciences
Classification: Uncertain significance for ADCY3-related condition. Last evaluated: 2024-08-14. Review status: no assertion criteria provided. Collection method: clinical testing. Allele origin: germline.
Comment: The ADCY3 c.1805T>G variant is predicted to result in the amino acid substitution p.Val602Gly. To our knowledge, this variant has not been reported in the literature or in a large population database, indicating this variant is rare. At this time, the clinical significance of this variant is uncertain due to the absence of conclusive functional and genetic evidence.